The following is an entry in ClinVar:

NM_177438.3(DICER1):c.3780A>G (p.Val1260=)

Gene: DICER1 (dicer 1, ribonuclease III; minus strand). Cytogenetic location: 14q32.13.
Variant type: single nucleotide variant.
Coding change: c.3780A>G on transcript NM_177438.3 (MANE Select); coding-DNA position 3780, A replaced by G.
Protein change: p.Val1260=; no amino-acid change (valine 1260 retained).
Molecular consequence: synonymous variant. On other transcripts: non-coding transcript variant (6).
Genome position (GRCh38, 1-based): chr14:95,103,616, T>C on the plus strand (A>G on the coding strand, the complement: DICER1 is on the minus strand). VCF-style: chr14-95103616-T-C. GRCh37 (hg19) VCF-style: chr14-95569953-T-C.
Other names: c.3780A>G, p.Val1260= (NM_001195573.1, NM_001271282.3, NM_001291628.2 and 12 more transcripts); c.3498A>G, p.Val1166= (NM_001395686.1); c.3375A>G, p.Val1125= (NM_001395687.1, NM_001395688.1, NM_001395689.1 and 2 more transcripts); c.3213A>G, p.Val1071= (NM_001395691.1); c.2097A>G, p.Val699= (NM_001395697.1).
Identifiers: ClinVar variation 5042124 (VCV005042124.1).

ClinVar aggregate classification (germline): Benign (1 of 4 stars; one submission).

Conditions:
DICER1-related tumor predisposition. Also called: DICER1 syndrome; DICER1-related pleuropulmonary blastoma cancer predisposition syndrome. Identifiers: Orphanet 284343, MedGen C3839822, MONDO:0100216.

gnomAD v4.1: 1 of 1,614,232 alleles (0.000062%); highest among the groups gnomAD compares: Non-Finnish European, 0.000085%; no homozygotes.

Submission:

Myriad Genetics, Inc.
Classification: Benign for DICER1-related tumor predisposition. Last evaluated: 2026-08-19. Review status: criteria provided, single submitter. Criteria: Myriad Autosomal Dominant, Autosomal Recessive and X-Linked Classification Criteria (2023). Collection method: clinical testing. Allele origin: unknown.
Comment: This variant is considered benign. This variant is a silent/synonymous amino acid change and it is not expected to impact splicing.